The following is an entry in ClinVar:

ClinVar aggregate classification (germline): Uncertain significance (1 of 4 stars; one submission).

Conditions:
Hermansky-Pudlak syndrome 2 (HPS2). Also called: Platelet defects and oculocutaneous albinism. Identifiers: Orphanet 183678, Orphanet 79430, MedGen C1842362, MONDO:0011997, OMIM 608233.

Submission:

Labcorp Genetics (formerly Invitae), Labcorp
Classification: Uncertain significance for Hermansky-Pudlak syndrome 2. Last evaluated: 2022-12-06. Review status: criteria provided, single submitter. Criteria: Invitae Variant Classification Sherloc (09022015). Collection method: clinical testing. Allele origin: germline.
Comment: This variant has not been reported in the literature in individuals affected with AP3B1-related conditions. In summary, the available evidence is currently insufficient to determine the role of this variant in disease. Therefore, it has been classified as a Variant of Uncertain Significance. Algorithms developed to predict the effect of missense changes on protein structure and function (SIFT, PolyPhen-2, Align-GVGD) all suggest that this variant is likely to be tolerated. ClinVar contains an entry for this variant (Variation ID: 1428192). This variant is not present in population databases (gnomAD no frequency). This sequence change replaces methionine, which is neutral and non-polar, with leucine, which is neutral and non-polar, at codon 152 of the AP3B1 protein (p.Met152Leu).

NM_003664.5(AP3B1):c.454A>C (p.Met152Leu)

Gene: AP3B1 (adaptor related protein complex 3 subunit beta 1; minus strand). Cytogenetic location: 5q14.1.
Variant type: single nucleotide variant.
Coding change: c.454A>C on transcript NM_003664.5 (MANE Select); coding-DNA position 454, A replaced by C.
Protein change: p.Met152Leu; replaces methionine 152 with leucine.
Molecular consequence: missense variant.
Genome position (GRCh38, 1-based): chr5:78,227,454, T>G on the plus strand (A>C on the coding strand, the complement: AP3B1 is on the minus strand). VCF-style: chr5-78227454-T-G. GRCh37 (hg19) VCF-style: chr5-77523278-T-G.
Other names: c.307A>C, p.Met103Leu (NM_001271769.2); short protein forms M152L, M103L.
Identifiers: ClinVar variation 1428192 (VCV001428192.7), dbSNP rs2112494693, ClinGen allele CA360191481.